The following is an entry in ClinVar:

ClinVar aggregate classification (germline): Uncertain significance (1 of 4 stars; one submission).

Conditions:
Hereditary cancer-predisposing syndrome. Also called: Neoplastic Syndromes, Hereditary; Tumor predisposition; Hereditary neoplastic syndrome; Hereditary Cancer Syndrome. Identifiers: Orphanet 140162, MedGen C0027672, MeSH D009386, MONDO:0015356.

Submission:

Ambry Genetics
Classification: Uncertain significance for Hereditary cancer-predisposing syndrome. Last evaluated: 2023-12-13. Review status: criteria provided, single submitter. Criteria: Ambry Variant Classification Scheme 2023. Collection method: clinical testing. Allele origin: germline.
Comment: The p.Q3126E variant (also known as c.9376C>G), located in coding exon 24 of the BRCA2 gene, results from a C to G substitution at nucleotide position 9376. The glutamine at codon 3126 is replaced by glutamic acid, an amino acid with highly similar properties. This amino acid position is highly conserved in available vertebrate species. In addition, the in silico prediction for this alteration is inconclusive. Since supporting evidence is limited at this time, the clinical significance of this alteration remains unclear.

NM_000059.4(BRCA2):c.9376C>G (p.Gln3126Glu)

Gene: BRCA2 (BRCA2 DNA repair associated; plus strand). Cytogenetic location: 13q13.1.
Variant type: single nucleotide variant.
Coding change: c.9376C>G on transcript NM_000059.4 (MANE Select); coding-DNA position 9376, C replaced by G.
Protein change: p.Gln3126Glu; replaces glutamine 3126 with glutamic acid.
Molecular consequence: missense variant. On other transcripts: non-coding transcript variant (1).
Genome position (GRCh38, 1-based): chr13:32,394,808, C>G. VCF-style: chr13-32394808-C-G. GRCh37 (hg19) VCF-style: chr13-32968945-C-G.
Other names: c.9280C>G, p.Gln3094Glu (NM_001406719.1); c.9325C>G, p.Gln3109Glu (NM_001406720.1); c.4444C>G, p.Gln1482Glu (NM_001406721.1); c.2959C>G, p.Gln987Glu (NM_001406722.1); short protein forms Q1482E, Q3094E, Q3109E, Q3126E, Q987E.
Identifiers: ClinVar variation 3230070 (VCV003230070.1), dbSNP rs80359210, ClinGen allele CA387761234.